The following is an entry in ClinVar:

ClinVar aggregate classification (germline): Uncertain significance (1 of 4 stars; one submission).

Allele frequency attached by ClinVar (database versions not stated): gnomAD exomes below 0.00001.
gnomAD v4.1: 1 of 1,613,544 alleles (0.000062%); highest among the groups gnomAD compares: Non-Finnish European, 0.000085%; no homozygotes.

Submission:

Laboratory for Molecular Medicine, Mass General Brigham Personalized Medicine
Classification: Uncertain significance. Last evaluated: 2013-12-12. Review status: criteria provided, single submitter. Criteria: LMM Criteria. Collection method: clinical testing. Allele origin: germline. Observed: 1 variant allele.
Comment: The Ile5174Val variant in TTN has not been previously reported in individuals wi th cardiomyopathy and was absent from large population studies. Computational an alyses are limited or unavailable for this variant. Additional information is ne eded to fully assess the clinical significance of this variant.

NM_133379.5(TTN):c.15520A>G (p.Ile5174Val)

Gene: TTN (titin; minus strand). Cytogenetic location: 2q31.2.
Variant type: single nucleotide variant.
Coding change: c.15520A>G on transcript NM_133379.5; coding-DNA position 15520, A replaced by G.
Protein change: p.Ile5174Val; replaces isoleucine 5174 with valine.
Molecular consequence: missense variant. On other transcripts: intron variant (6).
Genome position (GRCh38, 1-based): chr2:178,746,880, T>C on the plus strand (A>G on the coding strand, the complement: TTN is on the minus strand). VCF-style: chr2-178746880-T-C. GRCh37 (hg19) VCF-style: chr2-179611607-T-C.
Other names: c.10223-4959A>G (NM_003319.4); c.10799-4959A>G (NM_133437.4); c.10598-4959A>G (NM_133432.3); c.10360+6244A>G (NM_133378.4); c.10361-4959A>G (NM_001256850.1); c.11312-4959A>G (NM_001267550.2); short protein forms I5174V.
Identifiers: ClinVar variation 179413 (VCV000179413.5), dbSNP rs727504853, ClinGen allele CA184371.